The following is an entry in ClinVar:

NM_014991.6(WDFY3):c.113C>A (p.Pro38His)

Gene: WDFY3 (WD repeat and FYVE domain containing 3; minus strand). Cytogenetic location: 4q21.23.
Variant type: single nucleotide variant.
Coding change: c.113C>A on transcript NM_014991.6 (MANE Select); coding-DNA position 113, C replaced by A.
Protein change: p.Pro38His; replaces proline 38 with histidine.
Molecular consequence: missense variant.
Genome position (GRCh38, 1-based): chr4:84,860,479, G>T on the plus strand (C>A on the coding strand, the complement: WDFY3 is on the minus strand). VCF-style: chr4-84860479-G-T. GRCh37 (hg19) VCF-style: chr4-85781632-G-T.
Other names: short protein forms P38H.
Identifiers: ClinVar variation 3769683 (VCV003769683.1).

ClinVar aggregate classification (germline): Uncertain significance (1 of 4 stars; one submission).

Submission:

GeneDx
Classification: Uncertain significance. Last evaluated: 2024-09-12. Review status: criteria provided, single submitter. Criteria: GeneDx Variant Classification Process June 2021. Collection method: clinical testing. Allele origin: germline. Affected: yes.
Comment: Not observed at significant frequency in large population cohorts (gnomAD); In silico analysis supports that this missense variant has a deleterious effect on protein structure/function; Has not been previously published as pathogenic or benign to our knowledge